The following is an entry in ClinVar:

ClinVar aggregate classification (germline): Uncertain significance. Review status: criteria provided, multiple submitters, no conflicts (2 of 4 stars). 2 submissions from 2 submitters: Uncertain significance (2). Last evaluated 2026-04-23.

Conditions:
Familial adenomatous polyposis 3. Also called: NTHL1 Tumor Syndrome; NTHL1-associated polyposis; NTHL1-Related Adenomatous Polyposis and Colorectal Cancer; NTHL1-related attenuated familial adenomatous polyposis. Identifiers: Orphanet 220460, Orphanet 454840, MedGen C4225157, MONDO:0014630, OMIM 616415.

Submissions (2):

Otogenetics
Classification: Uncertain significance for Familial adenomatous polyposis 3. Last evaluated: 2026-04-23. Review status: criteria provided, single submitter. Criteria: ACMG Guidelines, 2015. Collection method: clinical testing. Allele origin: germline.
Comment: PM2: Variant not observed in gnomAD (<0.05% threshold); BP1: Missense variant in a gene for which primarily truncating variants are known to cause disease

Labcorp Genetics (formerly Invitae), Labcorp
Classification: Uncertain significance. Last evaluated: 2025-11-13. Review status: criteria provided, single submitter. Criteria: Invitae Variant Classification Sherloc (09022015). Collection method: clinical testing. Allele origin: germline.
Comment: This sequence change replaces alanine, which is neutral and non-polar, with threonine, which is neutral and polar, at codon 304 of the NTHL1 protein (p.Ala304Thr). This variant is not present in population databases (gnomAD no frequency). This variant has not been reported in the literature in individuals affected with NTHL1-related conditions. An algorithm developed to predict the effect of missense changes on protein structure and function outputs the following: PolyPhen-2: "Benign". The threonine amino acid residue is found in multiple mammalian species, which suggests that this missense change does not adversely affect protein function. In summary, the available evidence is currently insufficient to determine the role of this variant in disease. Therefore, it has been classified as a Variant of Uncertain Significance.

NM_002528.7(NTHL1):c.886G>A (p.Ala296Thr)

Gene: NTHL1 (nth like DNA glycosylase 1; minus strand). Cytogenetic location: 16p13.3.
Variant type: single nucleotide variant.
Coding change: c.886G>A on transcript NM_002528.7 (MANE Select); coding-DNA position 886, G replaced by A.
Protein change: p.Ala296Thr; replaces alanine 296 with threonine.
Molecular consequence: missense variant.
Genome position (GRCh38, 1-based): chr16:2,039,953, C>T on the plus strand (G>A on the coding strand, the complement: NTHL1 is on the minus strand). VCF-style: chr16-2039953-C-T. GRCh37 (hg19) VCF-style: chr16-2089954-C-T.
Other names: c.715G>A, p.Ala239Thr (NM_001318193.2); c.556G>A, p.Ala186Thr (NM_001318194.2); short protein forms A186T, A239T, A296T.
Identifiers: ClinVar variation 4810585 (VCV004810585.2).